The following is an entry in ClinVar:

ClinVar aggregate classification (germline): Pathogenic. Review status: reviewed by expert panel (3 of 4 stars). 7 submissions from 7 submitters: Pathogenic (1). 6 of the submissions do not count toward it. Last evaluated 2017-03-17.

Conditions:
CFTR-related disorder (CFTR-RD). Also called: CFTR-related disorders; CFTR-related condition. Identifiers: MedGen C5924204, MONDO:7770004.
Cystic fibrosis (CF). Also called: MUCOVISCIDOSIS. Identifiers: Orphanet 586, MedGen C0010674, MONDO:0009061, OMIM 219700. Disease mechanism: loss of function.

Submissions (7):

CFTR2
Classification: Pathogenic for Cystic fibrosis. Last evaluated: 2017-03-17. Review status: reviewed by expert panel. Criteria: Sosnay PR et al. (Nat Genet 2013). Collection method: research. Allele origin: germline. Affected: yes. Study: CFTR2.

Labcorp Genetics (formerly Invitae), Labcorp
Classification: Pathogenic for Cystic fibrosis. Last evaluated: 2025-07-25. Review status: criteria provided, single submitter. Criteria: Invitae Variant Classification Sherloc (09022015). Collection method: clinical testing. Allele origin: germline. Not counted in ClinVar's aggregate classification.
Comment: This sequence change affects the initiator codon of the CFTR mRNA. This change may impact translation initiation or efficiency. The next in-frame methionine is located at codon 82. This variant is not present in population databases (gnomAD no frequency). Disruption of the initiator codon has been observed in individual(s) with cystic fibrosis (PMID: 15365999, 15480987, 25176415). In at least one individual the data is consistent with being in trans (on the opposite chromosome) from a pathogenic variant. This variant is also known as 120del23. ClinVar contains an entry for this variant (Variation ID: 53158). Experimental studies and prediction algorithms are not available or were not evaluated, and the functional significance of this variant is currently unknown. For these reasons, this variant has been classified as Pathogenic.

Natera, Inc.
Classification: Pathogenic for CFTR-related disorders. Last evaluated: 2024-12-06. Review status: criteria provided, single submitter. Criteria: Natera Variant Classification Schema (03/2026). Collection method: clinical testing. Allele origin: germline. Not counted in ClinVar's aggregate classification.
Comment: The c.-9_14delCGAGAGACCATGCAGAGGTCGCC variant in CFTR is predicted to result in start loss due to disruption of the initiator methionine. This variant is expected to result in nonsense mediated decay, truncation, or a dysfunctional protein product. This variant is rare in the general population with a frequency below the threshold expected for the associated phenotype(s). This variant has been observed in one or more individuals affected with the associated recessive disease, as either homozygous or compound heterozygous with a second variant (PMID: 15365999, 15480987, 25176415, 19910674). Given the available evidence, this variant is classified as Pathogenic.

Mendelics
Classification: Pathogenic for Cystic fibrosis. Last evaluated: 2018-11-05. Review status: criteria provided, single submitter. Criteria: Mendelics Assertion Criteria 2017. Collection method: clinical testing. Allele origin: unknown. Affected: yes. Not counted in ClinVar's aggregate classification.

Ambry Genetics
Classification: Pathogenic for Cystic fibrosis. Last evaluated: 2018-07-26. Review status: criteria provided, single submitter. Criteria: Ambry Variant Classification Scheme 2023. Collection method: clinical testing. Allele origin: germline. Not counted in ClinVar's aggregate classification.
Comment: The c.-9_14del23 pathogenic mutation, located in the 5' untranslated region and coding exon 1 of the CFTR gene, results from a deletion of 23 nucleotides at positions -9 to 14. This alters the methionine residue at the initiation codon (ATG). This mutation was detected in one individual with cystic fibrosis; however, complete genotype and phenotype information were not provided (Alonso MJ et al. Ann. Hum. Genet., 2007 Mar;71:194-201). In addition to the clinical data presented in the literature, since sequence variations that modify the initiation codon are expected to result in either loss of translation initiation, N-terminal truncation, or cause a shift in the mRNA reading frame, this alteration is interpreted as a disease-causing mutation.

PreventionGenetics, part of Exact Sciences
Classification: Pathogenic for CFTR-related condition. Last evaluated: 2024-09-09. Review status: no assertion criteria provided. Collection method: clinical testing. Allele origin: germline. Not counted in ClinVar's aggregate classification.
Comment: The CFTR c.-9_14del23 variant is predicted to disrupt the translation initiation site (Start loss). This variant has been reported in at least eight alleles in cystic fibrosis screening studies and has been identified in a cohort of patients with Cystic Fibrosis of Spanish ancestry (Beauchamp et al. 2019. PubMed ID: 31036917; Raraigh et al. 2021. PubMed ID: 34782259; Alonso et al. 2007. PubMed ID: 17331079). This variant is also referred to in the literature as c.124del23bp, using legacy nomenclature. This variant has not been reported in a large population database, indicating it is rare. In ClinVar, this variant is classified as pathogenic, including by the CF Expert Panel. This variant is interpreted as pathogenic.

Counsyl
Classification: Pathogenic for Cystic fibrosis. Last evaluated: 2016-05-24. Review status: no assertion criteria provided. Collection method: clinical testing. Allele origin: unknown. Not counted in ClinVar's aggregate classification.

Literature cited by the submitters: PubMed 15365999 (cited by Labcorp Genetics (formerly Invitae), Labcorp and Natera, Inc.); PubMed 15480987 (cited by Labcorp Genetics (formerly Invitae), Labcorp and Natera, Inc.); PubMed 25176415 (cited by Labcorp Genetics (formerly Invitae), Labcorp and Natera, Inc.); PubMed 19910674 (cited by Natera, Inc.); PubMed 17331079 (cited by Counsyl).

NM_000492.4(CFTR):c.-9_14del (p.Met1fs)

Genes: CFTR (CF transmembrane conductance regulator; plus strand), LOC111674463 (CFTR promoter region; plus strand). Cytogenetic location: 7q31.2.
Variant type: Deletion.
Coding change: c.-9_14del on transcript NM_000492.4 (MANE Select); 9 bases upstream of the start codon through coding-DNA position 14, 23 bases deleted (CGAGAGACCATGCAGAGGTCGCC).
Protein change: p.Met1fs; shifts the reading frame from methionine 1.
Molecular consequence: frameshift variant, initiator codon variant.
Genome position (GRCh38, 1-based): chr7:117,480,086-117,480,108, CGAGAGACCATGCAGAGGTCGCC deleted; deleting any 23 consecutive bases within chr7:117,480,082-117,480,108 gives the same sequence; the c. name uses the placement nearest the transcript's 3' end. VCF-style (leftmost placement, unchanged base first): chr7-117480081-GCGCCCGAGAGACCATGCAGAGGT-G. GRCh37 (hg19) VCF-style: chr7-117120135-GCGCCCGAGAGACCATGCAGAGGT-G.
Other names: 124del23bp; c.-9_14del23 (NM_000492.3); short protein forms M1fs.
Identifiers: ClinVar variation 53158 (VCV000053158.11), dbSNP rs397508136, ClinGen allele CA326357.